The following is an entry in ClinVar:

ClinVar aggregate classification (germline): Uncertain significance. Review status: criteria provided, multiple submitters, no conflicts (2 of 4 stars). 4 submissions from 4 submitters: Uncertain significance (4). Last evaluated 2026-04-27.

Conditions:
SH3TC2-related disorder. Also called: SH3TC2-related disorders; SH3TC2-related condition. Identifiers: MedGen CN239303.
Inborn genetic diseases. Identifiers: MedGen C0950123, MeSH D030342.
Charcot-Marie-Tooth disease type 4C (CMT4C). Also called: CHARCOT-MARIE-TOOTH DISEASE, DEMYELINATING, TYPE 4C; SH3TC2-Related Hereditary Motor and Sensory Neuropathy; CMT 4C; CHARCOT-MARIE-TOOTH DISEASE, DEMYELINATING, AUTOSOMAL RECESSIVE, TYPE 4C; Charcot-Marie-Tooth Neuropathy Type 4C (CMT4C). Identifiers: Orphanet 99949, MedGen C1866636, MONDO:0011113, OMIM 601596.
Susceptibility to mononeuropathy of the median nerve, mild. Also called: CARPAL TUNNEL SYNDROME, SUSCEPTIBILITY TO. Identifiers: MedGen C3150596, MONDO:0013237, OMIM 613353.
Charcot-Marie-Tooth disease type 4. Also called: Charcot-Marie-Tooth disease, type IV; Charcot-Marie-Tooth, Type 4. Identifiers: Orphanet 64749, MedGen C4082197, MONDO:0018995.

Allele frequency attached by ClinVar (database versions not stated): gnomAD exomes 0.00001; gnomAD below 0.00001 and 0.00001; ExAC 0.00001.
gnomAD v4.1: 16 of 1,612,832 alleles (0.00099%); highest among the groups gnomAD compares: South Asian, 0.0077%; no homozygotes.

Submissions (4):

PreventionGenetics, part of Exact Sciences
Classification: Uncertain significance for SH3TC2-related condition. Last evaluated: 2026-04-27. Review status: criteria provided, single submitter. Criteria: ACMG Guidelines, 2015. Collection method: clinical testing. Allele origin: germline.
Comment: The SH3TC2 c.1272C>G variant is predicted to result in the amino acid substitution p.Asp424Glu. To our knowledge, this variant has not been reported in the literature. This variant is reported in 0.011% of alleles in individuals of East Asian descent in gnomAD. At this time, the clinical significance of this variant is uncertain due to the absence of conclusive functional and genetic evidence.

Labcorp Genetics (formerly Invitae), Labcorp
Classification: Uncertain significance for Charcot-Marie-Tooth disease type 4. Last evaluated: 2025-01-13. Review status: criteria provided, single submitter. Criteria: Invitae Variant Classification Sherloc (09022015). Collection method: clinical testing. Allele origin: germline.
Comment: This sequence change replaces aspartic acid, which is acidic and polar, with glutamic acid, which is acidic and polar, at codon 424 of the SH3TC2 protein (p.Asp424Glu). This variant is present in population databases (rs377342074, gnomAD 0.01%). This variant has not been reported in the literature in individuals affected with SH3TC2-related conditions. ClinVar contains an entry for this variant (Variation ID: 969469). Invitae Evidence Modeling of protein sequence and biophysical properties (such as structural, functional, and spatial information, amino acid conservation, physicochemical variation, residue mobility, and thermodynamic stability) indicates that this missense variant is not expected to disrupt SH3TC2 protein function with a negative predictive value of 95%. In summary, the available evidence is currently insufficient to determine the role of this variant in disease. Therefore, it has been classified as a Variant of Uncertain Significance.

Ambry Genetics
Classification: Uncertain significance for Inborn genetic diseases. Last evaluated: 2024-05-01. Review status: criteria provided, single submitter. Criteria: Ambry Variant Classification Scheme 2023. Collection method: clinical testing. Allele origin: germline.

Department of Pathology and Laboratory Medicine, Sinai Health System
Classification: Uncertain significance for Charcot-Marie-Tooth disease type 4C; Susceptibility to mononeuropathy of the median nerve, mild. Last evaluated: 2022-12-14. Review status: criteria provided, single submitter. Criteria: ACMG Guidelines, 2015. Collection method: research. Allele origin: germline.

NM_024577.4(SH3TC2):c.1272C>G (p.Asp424Glu)

Gene: SH3TC2 (SH3 domain and tetratricopeptide repeats 2; minus strand). Cytogenetic location: 5q32.
Variant type: single nucleotide variant.
Coding change: c.1272C>G on transcript NM_024577.4 (MANE Select); coding-DNA position 1272, C replaced by G.
Protein change: p.Asp424Glu; replaces aspartic acid 424 with glutamic acid.
Molecular consequence: missense variant.
Genome position (GRCh38, 1-based): chr5:149,028,460, G>C on the plus strand (C>G on the coding strand, the complement: SH3TC2 is on the minus strand). VCF-style: chr5-149028460-G-C. GRCh37 (hg19) VCF-style: chr5-148408023-G-C.
Other names: short protein forms D424E.
Identifiers: ClinVar variation 969469 (VCV000969469.8), dbSNP rs377342074, ClinGen allele CA3499213.